The following is an entry in ClinVar:

ClinVar aggregate classification (germline): Uncertain significance. Review status: criteria provided, multiple submitters, no conflicts (2 of 4 stars). 2 submissions from 2 submitters: Uncertain significance (2). Last evaluated 2026-03-13.

Conditions:
Hereditary cancer-predisposing syndrome. Also called: Hereditary neoplastic syndrome; Tumor predisposition; Neoplastic Syndromes, Hereditary; Hereditary Cancer Syndrome. Identifiers: Orphanet 140162, MedGen C0027672, MeSH D009386, MONDO:0015356.
Multiple endocrine neoplasia, type 2 (MEN2). Identifiers: Orphanet 653, MedGen C4048306, MONDO:0019003. Disease mechanism: gain of function.

gnomAD v4.1: 1 of 1,614,194 alleles (0.000062%); highest among the groups gnomAD compares: East Asian, 0.0022%; no homozygotes.

Submissions (2):

Ambry Genetics
Classification: Uncertain significance for Hereditary cancer-predisposing syndrome. Last evaluated: 2026-03-13. Review status: criteria provided, single submitter. Criteria: Ambry Variant Classification Scheme 2023. Collection method: clinical testing. Allele origin: germline.
Comment: The p.H443L variant (also known as c.1328A>T), located in coding exon 7 of the RET gene, results from an A to T substitution at nucleotide position 1328. The histidine at codon 443 is replaced by leucine, an amino acid with similar properties. This amino acid position is conserved. In addition, this alteration is predicted to be tolerated by in silico analysis. Based on the available evidence, the clinical significance of this variant remains unclear.

Labcorp Genetics (formerly Invitae), Labcorp
Classification: Uncertain significance for Multiple endocrine neoplasia, type 2. Last evaluated: 2021-06-06. Review status: criteria provided, single submitter. Criteria: Invitae Variant Classification Sherloc (09022015). Collection method: clinical testing. Allele origin: germline.
Comment: This sequence change replaces histidine with leucine at codon 443 of the RET protein (p.His443Leu). The histidine residue is weakly conserved and there is a moderate physicochemical difference between histidine and leucine. This variant is not present in population databases (ExAC no frequency). This variant has not been reported in the literature in individuals with RET-related conditions. Algorithms developed to predict the effect of missense changes on protein structure and function (SIFT, PolyPhen-2, Align-GVGD) all suggest that this variant is likely to be tolerated, but these predictions have not been confirmed by published functional studies and their clinical significance is uncertain. In summary, the available evidence is currently insufficient to determine the role of this variant in disease. Therefore, it has been classified as a Variant of Uncertain Significance.

NM_020975.6(RET):c.1328A>T (p.His443Leu)

Gene: RET (ret proto-oncogene; plus strand). Cytogenetic location: 10q11.21.
Variant type: single nucleotide variant.
Coding change: c.1328A>T on transcript NM_020975.6 (MANE Select); coding-DNA position 1328, A replaced by T.
Protein change: p.His443Leu; replaces histidine 443 with leucine.
Molecular consequence: missense variant.
Genome position (GRCh38, 1-based): chr10:43,111,271, A>T. VCF-style: chr10-43111271-A-T. GRCh37 (hg19) VCF-style: chr10-43606719-A-T.
Other names: c.1199A>T, p.His400Leu (NM_001406761.1, NM_001406762.1, NM_001406764.1 and 1 more transcripts); c.1328A>T, p.His443Leu (NM_001406763.1, NM_001406765.1, NM_000323.2 and 6 more transcripts); c.1040A>T, p.His347Leu (NM_001406766.1, NM_001406767.1, NM_001406770.1); c.932A>T, p.His311Leu (NM_001406769.1, NM_001406772.1); c.566A>T, p.His189Leu (NM_001355216.2); c.890A>T, p.His297Leu (NM_001406771.1, NM_001406773.1); c.803A>T, p.His268Leu (NM_001406774.1); c.602A>T, p.His201Leu (NM_001406775.1, NM_001406776.1, NM_001406777.1 and 1 more transcripts); and 1 more; short protein forms H189L, H443L, H113L, H297L, H400L, H311L, H201L, H268L.
Identifiers: ClinVar variation 1359461 (VCV001359461.10), dbSNP rs2132767831, ClinGen allele CA376549038.